The following is an entry in ClinVar:

NM_022773.4(LMF1):c.512T>G (p.Phe171Cys)

Genes: LMF1 (lipase maturation factor 1; minus strand), LMF1-AS1 (LMF1 antisense RNA 1; plus strand). Cytogenetic location: 16p13.3.
Variant type: single nucleotide variant.
Coding change: c.512T>G on transcript NM_022773.4 (MANE Select); coding-DNA position 512, T replaced by G.
Protein change: p.Phe171Cys; replaces phenylalanine 171 with cysteine.
Molecular consequence: missense variant. On other transcripts: non-coding transcript variant (3), 5 prime UTR variant (3).
Genome position (GRCh38, 1-based): chr16:934,246, A>C on the plus strand (T>G on the coding strand, the complement: LMF1 is on the minus strand). VCF-style: chr16-934246-A-C. GRCh37 (hg19) VCF-style: chr16-984246-A-C.
Other names: c.-292T>G (NM_001352017.2); c.-43T>G (NM_001352018.2); c.185T>G, p.Phe62Cys (NM_001352019.2); c.512T>G, p.Phe171Cys (NM_001352020.1); c.-194T>G (NM_001352021.2); short protein forms F62C, F171C.
Identifiers: ClinVar variation 3290915 (VCV003290915.1).

ClinVar aggregate classification (germline): Uncertain significance (1 of 4 stars; one submission).

Conditions:
Cardiovascular phenotype. Identifiers: MedGen CN230736.

gnomAD v4.1: 30 of 1,599,262 alleles (0.0019%); highest among the groups gnomAD compares: Non-Finnish European, 0.0025%; no homozygotes.

Submission:

Ambry Genetics
Classification: Uncertain significance for Cardiovascular phenotype. Last evaluated: 2024-03-30. Review status: criteria provided, single submitter. Criteria: Ambry Variant Classification Scheme 2023. Collection method: clinical testing. Allele origin: germline.
Comment: The p.F171C variant (also known as c.512T>G), located in coding exon 3 of the LMF1 gene, results from a T to G substitution at nucleotide position 512. The phenylalanine at codon 171 is replaced by cysteine, an amino acid with highly dissimilar properties. This amino acid position is conserved. In addition, this alteration is predicted to be deleterious by in silico analysis. Based on the available evidence, the clinical significance of this alteration remains unclear.